The following is an entry in ClinVar:

ClinVar aggregate classification (germline): Conflicting classifications of pathogenicity. Review status: criteria provided, conflicting classifications (1 of 4 stars). 10 submissions from 10 submitters: Uncertain significance (7); Likely benign (1). 2 of the submissions do not count toward it. Last evaluated 2026-01-21.

Conditions:
CACNA1C-related disorder. Also called: CACNA1C-related disorders; CACNA1C-related condition. Identifiers: MedGen CN381092, MONDO:0700321.
Long QT syndrome 8. Identifiers: MedGen CN260585, MONDO:0032756, OMIM 618447.
Cardiovascular phenotype. Identifiers: MedGen CN230736.
Timothy syndrome (TS). Also called: LONG QT SYNDROME WITH SYNDACTYLY. Identifiers: Orphanet 65283, MedGen C1832916, MeSH C536962, MONDO:0010979, OMIM 601005.
Brugada syndrome 3 (BRGDA3). Identifiers: Orphanet 130, MedGen C2678478, MONDO:0012742, OMIM 611875.
Ventricular tachycardia. Identifiers: MedGen C0042514, MONDO:0005477, HP:0004756.
Long QT syndrome (LQTS). Identifiers: MedGen C0023976, MeSH D008133, MONDO:0002442. Disease mechanism: loss of function. Inheritance: Various modes of inheritance.

Allele frequency attached by ClinVar (database versions not stated): ExAC 0.00006; TOPMed 0.00005; gnomAD exomes 0.00001 and 0.00003; ESP Exome Variant Server 0.00008; gnomAD 0.00004.
gnomAD v4.1: 47 of 1,595,820 alleles (0.0029%); highest among the groups gnomAD compares: Non-Finnish European, 0.0038%; no homozygotes.

Submissions (10):

PreventionGenetics, part of Exact Sciences
Classification: Uncertain significance for CACNA1C-related condition. Last evaluated: 2026-01-21. Review status: criteria provided, single submitter. Criteria: ACMG Guidelines, 2015. Collection method: clinical testing. Allele origin: germline.
Comment: The CACNA1C c.1555G>A variant is predicted to result in the amino acid substitution p.Ala519Thr. This variant has been reported, along with additional variants in other cardiac genes, in a sudden unexpected death case (Suktitipat et al. 2017. PubMed ID: 28704380) and in an individual with long QT syndrome (Marschall et al. 2019. PubMed ID: 31737537). This variant is reported in 0.0053% of alleles in individuals of European (Non-Finnish) descent in gnomAD. At this time, the clinical significance of this variant is uncertain due to the absence of conclusive functional and genetic evidence.

Labcorp Genetics (formerly Invitae), Labcorp
Classification: Uncertain significance for Long QT syndrome. Last evaluated: 2025-12-30. Review status: criteria provided, single submitter. Criteria: Invitae Variant Classification Sherloc (09022015). Collection method: clinical testing. Allele origin: germline.
Comment: This sequence change replaces alanine, which is neutral and non-polar, with threonine, which is neutral and polar, at codon 519 of the CACNA1C protein (p.Ala519Thr). The frequency data for this variant in the population databases is considered unreliable, as metrics indicate poor data quality at this position in the gnomAD database. This missense change has been observed in individual(s) with sudden unexplained death or long QT syndrome (PMID: 28704380, 31737537). ClinVar contains an entry for this variant (Variation ID: 392350). Invitae Evidence Modeling of protein sequence and biophysical properties (such as structural, functional, and spatial information, amino acid conservation, physicochemical variation, residue mobility, and thermodynamic stability) indicates that this missense variant is not expected to disrupt CACNA1C protein function with a negative predictive value of 95%. In summary, the available evidence is currently insufficient to determine the role of this variant in disease. Therefore, it has been classified as a Variant of Uncertain Significance.

Ambry Genetics
Classification: Likely benign for Cardiovascular phenotype. Last evaluated: 2025-04-02. Review status: criteria provided, single submitter. Criteria: Ambry Variant Classification Scheme 2023. Collection method: clinical testing. Allele origin: germline.

ARUP Laboratories, Molecular Genetics and Genomics, ARUP Laboratories
Classification: Uncertain significance. Last evaluated: 2023-03-22. Review status: criteria provided, single submitter. Criteria: ARUP Molecular Germline Variant Investigation Process 2024. Collection method: clinical testing. Allele origin: germline.
Comment: The CACNA1C c.1555G>A; p.Ala519Thr variant (rs371702432) is reported in the literature in a victim of sudden unexpected death syndrome, but this individual carried other variants in different genes as well (Suktitipat 2017). This variant is also reported in ClinVar (Variation ID: 392350). It is observed in the general population with an overall allele frequency of 0.002% (6/250334 alleles) in the Genome Aggregation Database. Computational analyses are uncertain whether this variant is neutral or deleterious (REVEL: 0.595). Due to limited information, the clinical significance of this variant is uncertain at this time. References: Suktitipat B et al. Molecular investigation by whole exome sequencing revealed a high proportion of pathogenic variants among Thai victims of sudden unexpected death syndrome. PLoS One. 2017 Jul 13;12(7):e0180056. PMID: 28704380.

Victorian Clinical Genetics Services, Murdoch Childrens Research Institute
Classification: Uncertain significance for Long QT syndrome 8. Last evaluated: 2022-02-02. Review status: criteria provided, single submitter. Criteria: ACMG Guidelines, 2015. Collection method: clinical testing. Allele origin: germline. Inheritance: Autosomal dominant inheritance. Affected: yes.
Comment: Based on the classification scheme VCGS_Germline_v1.3.4, this variant is classified as VUS-3B. Following criteria are met: 0101 - Gain of function is a known mechanism of disease in this gene and is associated with Long QT syndrome 8 (MIM #618447), and Timothy syndrome (MIM#601005). Missense variants result in loss of channel inactivation, and increased current (OMIM, PMID: 25260352). (I) 0107 - This gene is associated with autosomal dominant disease. (I) 0200 - Variant is predicted to result in a missense amino acid change from alanine to threonine. (I) 0251 - This variant is heterozygous. (I) 0302 - Variant is present in gnomAD (v2) <0.001 for a dominant condition (6 heterozygotes, 0 homozygotes). (SP) 0309 - An alternative amino acid change at the same position has been observed in gnomAD (v2) (2 heterozygotes, 0 homozygotes). (I) 0502 - Missense variant with conflicting in silico predictions and uninformative conservation. (I) 0604 - Variant is not located in an established domain, motif, hotspot or informative constraint region. (I) 0705 - No comparable missense variants have previous evidence for pathogenicity. (I) 0809 - Previous evidence of pathogenicity for this variant is inconclusive. This variant has been reported multiple times as VUS in ClinVar, and also in one individual who suffered a sudden death who also harboured two other potential causative variants (PMID: 28704380). (I) 0905 - No published segregation evidence has been identified for this variant. (I) 1007 - No published functional evidence has been identified for this variant. (I) 1208 - Inheritance information for this variant is not currently available in this individual. (I) Legend: (SP) - Supporting pathogenic, (I) - Information, (SB) - Supporting benign

Fulgent Genetics
Classification: Uncertain significance for Timothy syndrome; Brugada syndrome 3; Long QT syndrome 8. Last evaluated: 2021-11-05. Review status: criteria provided, single submitter. Criteria: ACMG Guidelines, 2015. Collection method: clinical testing. Allele origin: unknown.

GeneDx
Classification: Uncertain significance. Last evaluated: 2018-10-22. Review status: criteria provided, single submitter. Criteria: GeneDx Variant Classification (06012015). Collection method: clinical testing. Allele origin: germline. Affected: yes.
Comment: The A519T variant of uncertain significance in the CACNA1C gene has not been published as a pathogenic variant, nor has it been reported as a benign variant to our knowledge. A519T was not observed with any significant frequency in the NHLBI Exome Sequencing Project or the Exome Aggregation Consortium (ExAC), indicating it is not a common benign variant in these populations. The A519T variant is a non-conservative amino acid substitution, which is likely to impact secondary protein structure as these residues differ in polarity, charge, size and/or other properties. Moreover, this substitution occurs at a position that is conserved across species, and in silico analysis predicts this variant is probably damaging to the protein structure/function.Nevertheless, additional evidence is needed to determine whether this variant is pathogenic or benign. This result cannot be used for diagnosis or family member screening at this time.

Center for Advanced Laboratory Medicine, UC San Diego Health, University of California San Diego
Classification: Uncertain significance for Ventricular tachycardia. Last evaluated: 2018-09-15. Review status: criteria provided, single submitter. Criteria: ACMG Guidelines, 2015. Collection method: clinical testing. Allele origin: germline. Affected: yes. Observed: 1 variant allele.

Clinical Genetics DNA and cytogenetics Diagnostics Lab, Erasmus MC, Erasmus Medical Center
Classification: Uncertain significance. Review status: no assertion criteria provided. Collection method: clinical testing. Allele origin: germline. Affected: yes. Study: VKGL Data-share Consensus. Not counted in ClinVar's aggregate classification.

Joint Genome Diagnostic Labs from Nijmegen and Maastricht, Radboudumc and MUMC+
Classification: Uncertain significance. Review status: no assertion criteria provided. Collection method: clinical testing. Allele origin: germline. Affected: yes. Study: VKGL Data-share Consensus. Not counted in ClinVar's aggregate classification.

Literature cited by the submitters: PubMed 28704380 (cited by 3 submitters); PubMed 31737537 (cited by Labcorp Genetics (formerly Invitae), Labcorp and Ambry Genetics); PubMed 33954932 (cited by Ambry Genetics); PubMed 25260352 (cited by Victorian Clinical Genetics Services, Murdoch Childrens Research Institute).

NM_000719.7(CACNA1C):c.1555G>A (p.Ala519Thr)

Gene: CACNA1C (calcium voltage-gated channel subunit alpha1 C; plus strand). Cytogenetic location: 12p13.33.
Variant type: single nucleotide variant.
Coding change: c.1555G>A on transcript NM_000719.7 (MANE Select); coding-DNA position 1555, G replaced by A.
Protein change: p.Ala519Thr; replaces alanine 519 with threonine.
Molecular consequence: missense variant.
Genome position (GRCh38, 1-based): chr12:2,566,468, G>A. VCF-style: chr12-2566468-G-A. GRCh37 (hg19) VCF-style: chr12-2675634-G-A.
Other names: c.1555G>A, p.Ala519Thr (NM_001129827.2, NM_001129829.2, NM_001129830.3 and 18 more transcripts); c.1546G>A, p.Ala516Thr (NM_001129844.2); short protein forms A519T, A516T.
Identifiers: ClinVar variation 392350 (VCV000392350.27), dbSNP rs371702432, ClinGen allele CA6388813.